The following is an entry in ClinVar:

NM_002941.4(ROBO1):c.2816C>T (p.Pro939Leu)

Gene: ROBO1 (roundabout guidance receptor 1; minus strand). Cytogenetic location: 3p12.3.
Variant type: single nucleotide variant.
Coding change: c.2816C>T on transcript NM_002941.4 (MANE Select); coding-DNA position 2816, C replaced by T.
Protein change: p.Pro939Leu; replaces proline 939 with leucine.
Molecular consequence: missense variant. On other transcripts: intron variant (2).
Genome position (GRCh38, 1-based): chr3:78,647,652, G>A on the plus strand (C>T on the coding strand, the complement: ROBO1 is on the minus strand). VCF-style: chr3-78647652-G-A. GRCh37 (hg19) VCF-style: chr3-78696802-G-A.
Other names: c.2705-1462C>T (NM_001145845.2, NM_133631.4); short protein forms P939L.
Identifiers: ClinVar variation 1946763 (VCV001946763.5), dbSNP rs770487592, ClinGen allele CA2498567.

ClinVar aggregate classification (germline): Uncertain significance (1 of 4 stars; one submission).

Allele frequency attached by ClinVar (database versions not stated): ExAC 0.00001; gnomAD 0.00001; gnomAD exomes 0.00001; TOPMed 0.00001.
gnomAD v4.1: 11 of 1,611,080 alleles (0.00068%); highest among the groups gnomAD compares: South Asian, 0.0011%; no homozygotes.

Submission:

Labcorp Genetics (formerly Invitae), Labcorp
Classification: Uncertain significance. Last evaluated: 2024-01-02. Review status: criteria provided, single submitter. Criteria: Invitae Variant Classification Sherloc (09022015). Collection method: clinical testing. Allele origin: germline.
Comment: This sequence change replaces proline, which is neutral and non-polar, with leucine, which is neutral and non-polar, at codon 939 of the ROBO1 protein (p.Pro939Leu). This variant is present in population databases (rs770487592, gnomAD 0.002%). This variant has not been reported in the literature in individuals affected with ROBO1-related conditions. ClinVar contains an entry for this variant (Variation ID: 1946763). Advanced modeling of protein sequence and biophysical properties (such as structural, functional, and spatial information, amino acid conservation, physicochemical variation, residue mobility, and thermodynamic stability) performed at Invitae indicates that this missense variant is not expected to disrupt ROBO1 protein function with a negative predictive value of 95%. Algorithms developed to predict the effect of sequence changes on RNA splicing suggest that this variant may disrupt the consensus splice site. In summary, the available evidence is currently insufficient to determine the role of this variant in disease. Therefore, it has been classified as a Variant of Uncertain Significance.